The following is an entry in ClinVar:

ClinVar aggregate classification (germline): Conflicting classifications of pathogenicity. Review status: criteria provided, conflicting classifications (1 of 4 stars). 3 submissions from 3 submitters: Uncertain significance (2); Likely benign (1). Last evaluated 2025-02-01.

Conditions:
Inborn genetic diseases. Identifiers: MedGen C0950123, MeSH D030342.

Allele frequency attached by ClinVar (database versions not stated): ExAC 0.00003; gnomAD exomes 0.00003 and 0.00005; TOPMed 0.00003; gnomAD 0.00004.
gnomAD v4.1: 49 of 1,613,534 alleles (0.003%); highest among the groups gnomAD compares: Middle Eastern, 0.016%; no homozygotes.

Submissions (3):

Ambry Genetics
Classification: Likely benign for Inborn genetic diseases. Last evaluated: 2025-02-01. Review status: criteria provided, single submitter. Criteria: Ambry Variant Classification Scheme 2023. Collection method: clinical testing. Allele origin: germline.

Labcorp Genetics (formerly Invitae), Labcorp
Classification: Uncertain significance. Last evaluated: 2021-12-02. Review status: criteria provided, single submitter. Criteria: Invitae Variant Classification Sherloc (09022015). Collection method: clinical testing. Allele origin: germline.
Comment: This variant is present in population databases (rs767659184, gnomAD 0.01%). This sequence change replaces alanine, which is neutral and non-polar, with valine, which is neutral and non-polar, at codon 66 of the CHMP1A protein (p.Ala66Val). This variant has not been reported in the literature in individuals affected with CHMP1A-related conditions. In summary, the available evidence is currently insufficient to determine the role of this variant in disease. Therefore, it has been classified as a Variant of Uncertain Significance. Algorithms developed to predict the effect of missense changes on protein structure and function (SIFT, PolyPhen-2, Align-GVGD) all suggest that this variant is likely to be disruptive. ClinVar contains an entry for this variant (Variation ID: 1306600).

GeneDx
Classification: Uncertain significance. Last evaluated: 2019-06-21. Review status: criteria provided, single submitter. Criteria: GeneDx Variant Classification Process June 2021. Collection method: clinical testing. Allele origin: germline. Affected: yes.
Comment: In silico analysis, which includes protein predictors and evolutionary conservation, supports a deleterious effect; Has not been previously published as pathogenic or benign to our knowledge

NM_002768.5(CHMP1A):c.197C>T (p.Ala66Val)

Gene: CHMP1A (charged multivesicular body protein 1A; minus strand). Cytogenetic location: 16q24.3.
Variant type: single nucleotide variant.
Coding change: c.197C>T on transcript NM_002768.5 (MANE Select); coding-DNA position 197, C replaced by T.
Protein change: p.Ala66Val; replaces alanine 66 with valine.
Molecular consequence: missense variant. On other transcripts: synonymous variant (1), non-coding transcript variant (1).
Genome position (GRCh38, 1-based): chr16:89,649,406, G>A on the plus strand (C>T on the coding strand, the complement: CHMP1A is on the minus strand). VCF-style: chr16-89649406-G-A. GRCh37 (hg19) VCF-style: chr16-89715814-G-A.
Other names: c.177C>T, p.Gly59= (NM_001083314.4); c.177C>T (NM_001083314.1); short protein forms A66V.
Identifiers: ClinVar variation 1306600 (VCV001306600.9), dbSNP rs767659184, ClinGen allele CA8247116.